The following is an entry in ClinVar:

ClinVar aggregate classification (germline): Uncertain significance (1 of 4 stars; one submission).

gnomAD v4.1: 1 of 1,614,138 alleles (0.000062%); no homozygotes.

Submission:

GeneDx
Classification: Uncertain significance. Last evaluated: 2025-04-04. Review status: criteria provided, single submitter. Criteria: GeneDx Variant Classification Process June 2021. Collection method: clinical testing. Allele origin: germline. Affected: yes.
Comment: Not observed at significant frequency in large population cohorts (gnomAD); In silico analysis indicates that this missense variant does not alter protein structure/function; Has not been previously published as pathogenic or benign to our knowledge

NM_006514.4(SCN10A):c.3455G>A (p.Ser1152Asn)

Genes: SCN10A (sodium voltage-gated channel alpha subunit 10; minus strand), LOC110121288 (VISTA enhancer hs2268; plus strand). Cytogenetic location: 3p22.2.
Variant type: single nucleotide variant.
Coding change: c.3455G>A on transcript NM_006514.4 (MANE Select); coding-DNA position 3455, G replaced by A.
Protein change: p.Ser1152Asn; replaces serine 1152 with asparagine.
Molecular consequence: missense variant.
Genome position (GRCh38, 1-based): chr3:38,722,310, C>T on the plus strand (G>A on the coding strand, the complement: SCN10A is on the minus strand). VCF-style: chr3-38722310-C-T. GRCh37 (hg19) VCF-style: chr3-38763801-C-T.
Other names: c.3452G>A, p.Ser1151Asn (NM_001293306.2); c.3161G>A, p.Ser1054Asn (NM_001293307.2); short protein forms S1054N, S1151N, S1152N.
Identifiers: ClinVar variation 4278517 (VCV004278517.1).